The following is an entry in ClinVar:

NM_001111125.3(IQSEC2):c.3475G>A (p.Val1159Met)

Gene: IQSEC2 (IQ motif and Sec7 domain ArfGEF 2; minus strand). Cytogenetic location: Xp11.22.
Variant type: single nucleotide variant.
Coding change: c.3475G>A on transcript NM_001111125.3 (MANE Select); coding-DNA position 3475, G replaced by A.
Protein change: p.Val1159Met; replaces valine 1159 with methionine.
Molecular consequence: missense variant. On other transcripts: intron variant (1).
Genome position (GRCh38, 1-based): chrX:53,235,809, C>T on the plus strand (G>A on the coding strand, the complement: IQSEC2 is on the minus strand). VCF-style: chrX-53235809-C-T. GRCh37 (hg19) VCF-style: chrX-53264991-C-T.
Other names: c.2836+513G>A (NM_015075.2); short protein forms V1159M.
Identifiers: ClinVar variation 1218677 (VCV001218677.5), dbSNP rs2147010117, ClinGen allele CA413143387.

ClinVar aggregate classification (germline): Uncertain significance (1 of 4 stars; one submission).

Submission:

GeneDx
Classification: Uncertain significance. Last evaluated: 2025-03-25. Review status: criteria provided, single submitter. Criteria: GeneDx Variant Classification Process June 2021. Collection method: clinical testing. Allele origin: germline. Affected: yes.
Comment: Not observed at significant frequency in large population cohorts (gnomAD); In silico analysis indicates that this missense variant does not alter protein structure/function; Has not been previously published as pathogenic or benign to our knowledge